The following is an entry in ClinVar:

NM_000038.6(APC):c.4294C>A (p.Pro1432Thr)

Gene: APC (APC regulator of Wnt signaling pathway; plus strand). Cytogenetic location: 5q22.2.
Variant type: single nucleotide variant.
Coding change: c.4294C>A on transcript NM_000038.6 (MANE Select); coding-DNA position 4294, C replaced by A.
Protein change: p.Pro1432Thr; replaces proline 1432 with threonine.
Molecular consequence: missense variant. On other transcripts: non-coding transcript variant (2).
Genome position (GRCh38, 1-based): chr5:112,839,888, C>A. VCF-style: chr5-112839888-C-A. GRCh37 (hg19) VCF-style: chr5-112175585-C-A.
Other names: c.4294C>A, p.Pro1432Thr (NM_001127510.3, NM_001354895.2, NM_001407450.1); c.4240C>A, p.Pro1414Thr (NM_001127511.3); c.4348C>A, p.Pro1450Thr (NM_001354896.2, NM_001407447.1, NM_001407448.1 and 1 more transcripts); c.4324C>A, p.Pro1442Thr (NM_001354897.2); c.4219C>A, p.Pro1407Thr (NM_001354898.2); c.4210C>A, p.Pro1404Thr (NM_001354899.2); c.4171C>A, p.Pro1391Thr (NM_001354900.2); c.4117C>A, p.Pro1373Thr (NM_001354901.2, NM_001407453.1); and 11 more; short protein forms P1048T, P1306T, P1391T, P1422T, P1460T, P1303T, P1331T, P1349T.
Identifiers: ClinVar variation 2566954 (VCV002566954.5), dbSNP rs1323250553, ClinGen allele CA16030741.

ClinVar aggregate classification (germline): Uncertain significance. Review status: criteria provided, multiple submitters, no conflicts (2 of 4 stars). 2 submissions from 2 submitters: Uncertain significance (2). Last evaluated 2024-04-05.

Conditions:
Hereditary cancer-predisposing syndrome. Also called: Hereditary neoplastic syndrome; Hereditary Cancer Syndrome; Neoplastic Syndromes, Hereditary; Tumor predisposition. Identifiers: Orphanet 140162, MedGen C0027672, MeSH D009386, MONDO:0015356.
Familial adenomatous polyposis 1 (FAP1). Also called: POLYPOSIS, ADENOMATOUS INTESTINAL; FAMILIAL ADENOMATOUS POLYPOSIS 1, ATTENUATED. Identifiers: MedGen C2713442, MONDO:0021056, OMIM 175100. Disease mechanism: loss of function.

Allele frequency attached by ClinVar (database versions not stated): gnomAD exomes below 0.00001.
gnomAD v4.1: 2 of 1,614,020 alleles (0.00012%); highest among the groups gnomAD compares: Non-Finnish European, 0.00017%; no homozygotes.

Submissions (2):

Labcorp Genetics (formerly Invitae), Labcorp
Classification: Uncertain significance for Familial adenomatous polyposis 1. Last evaluated: 2024-04-05. Review status: criteria provided, single submitter. Criteria: Invitae Variant Classification Sherloc (09022015). Collection method: clinical testing. Allele origin: germline.
Comment: This sequence change replaces proline, which is neutral and non-polar, with threonine, which is neutral and polar, at codon 1432 of the APC protein (p.Pro1432Thr). This variant is present in population databases (no rsID available, gnomAD 0.0009%). This variant has not been reported in the literature in individuals affected with APC-related conditions. ClinVar contains an entry for this variant (Variation ID: 2566954). Advanced modeling of protein sequence and biophysical properties (such as structural, functional, and spatial information, amino acid conservation, physicochemical variation, residue mobility, and thermodynamic stability) performed at Invitae indicates that this missense variant is not expected to disrupt APC protein function with a negative predictive value of 95%. In summary, the available evidence is currently insufficient to determine the role of this variant in disease. Therefore, it has been classified as a Variant of Uncertain Significance.

Ambry Genetics
Classification: Uncertain significance for Hereditary cancer-predisposing syndrome. Last evaluated: 2023-04-03. Review status: criteria provided, single submitter. Criteria: Ambry Variant Classification Scheme 2023. Collection method: clinical testing. Allele origin: germline.
Comment: The p.P1432T variant (also known as c.4294C>A), located in coding exon 15 of the APC gene, results from a C to A substitution at nucleotide position 4294. The proline at codon 1432 is replaced by threonine, an amino acid with highly similar properties. This amino acid position is conserved. In addition, in silico predictors for this gene do not accurately predict pathogenicity. Since supporting evidence is limited at this time, the clinical significance of this alteration remains unclear.